The following is an entry in ClinVar:

ClinVar aggregate classification (germline): Uncertain significance (1 of 4 stars; one submission).

Conditions:
Fanconi anemia complementation group J. Also called: BRIP1-Related Fanconi Anemia. Identifiers: Orphanet 84, MedGen C1836860, MONDO:0012187, OMIM 609054.
Familial cancer of breast. Also called: Hereditary breast cancer; hereditary breast carcinoma; BREAST CANCER, FAMILIAL. Identifiers: Orphanet 227535, MedGen C0346153, MONDO:0016419, OMIM 114480. Disease mechanism: loss of function.

gnomAD v4.1: 1 of 1,613,320 alleles (0.000062%); highest among the groups gnomAD compares: East Asian, 0.0022%; no homozygotes.

Submission:

Labcorp Genetics (formerly Invitae), Labcorp
Classification: Uncertain significance for Familial cancer of breast; Fanconi anemia complementation group J. Last evaluated: 2025-09-10. Review status: criteria provided, single submitter. Criteria: Invitae Variant Classification Sherloc (09022015). Collection method: clinical testing. Allele origin: germline.
Comment: This sequence change replaces glutamic acid, which is acidic and polar, with glycine, which is neutral and non-polar, at codon 515 of the BRIP1 protein (p.Glu515Gly). This variant is not present in population databases (gnomAD no frequency). This variant has not been reported in the literature in individuals affected with BRIP1-related conditions. Invitae Evidence Modeling of protein sequence and biophysical properties (such as structural, functional, and spatial information, amino acid conservation, physicochemical variation, residue mobility, and thermodynamic stability) indicates that this missense variant is not expected to disrupt BRIP1 protein function with a negative predictive value of 95%. In summary, the available evidence is currently insufficient to determine the role of this variant in disease. Therefore, it has been classified as a Variant of Uncertain Significance.

NM_032043.3(BRIP1):c.1544A>G (p.Glu515Gly)

Gene: BRIP1 (BRCA1 interacting DNA helicase 1; minus strand). Cytogenetic location: 17q23.2.
Variant type: single nucleotide variant.
Coding change: c.1544A>G on transcript NM_032043.3 (MANE Select); coding-DNA position 1544, A replaced by G.
Protein change: p.Glu515Gly; replaces glutamic acid 515 with glycine.
Molecular consequence: missense variant.
Genome position (GRCh38, 1-based): chr17:61,784,354, T>C on the plus strand (A>G on the coding strand, the complement: BRIP1 is on the minus strand). VCF-style: chr17-61784354-T-C. GRCh37 (hg19) VCF-style: chr17-59861715-T-C.
Other names: short protein forms E515G.
Identifiers: ClinVar variation 4783553 (VCV004783553.1).
Genomic context (GRCh38, chr17:61,784,354, plus strand): 5'-TCAAGTACCATAAAAAGTCCTTTAAGCATTATTTGAGTTGATGCACTAATAACAGGTACT[T>C]CTCTTGCCTCCTCTTTACCATAAATTGGTGAGATTTTTTCCTCTTTTTGAAGAACAGCAG-3'
Protein context (NP_114432.2, residues 505-525): SPIYGKEEAR[Glu515Gly]VPVISASTQI